The following is an entry in ClinVar:

NM_000722.4(CACNA2D1):c.2291C>G (p.Thr764Ser)

Gene: CACNA2D1 (calcium voltage-gated channel auxiliary subunit alpha2delta 1; minus strand). Cytogenetic location: 7q21.11.
Variant type: single nucleotide variant.
Coding change: c.2291C>G on transcript NM_000722.4 (MANE Select); coding-DNA position 2291, C replaced by G.
Protein change: p.Thr764Ser; replaces threonine 764 with serine.
Molecular consequence: missense variant.
Genome position (GRCh38, 1-based): chr7:81,969,898, G>C on the plus strand (C>G on the coding strand, the complement: CACNA2D1 is on the minus strand). VCF-style: chr7-81969898-G-C. GRCh37 (hg19) VCF-style: chr7-81599214-G-C.
Other names: c.2327C>G, p.Thr776Ser (NM_001366867.1); short protein forms T764S, T776S.
Identifiers: ClinVar variation 1476017 (VCV001476017.6), dbSNP rs2130421265, ClinGen allele CA367890501.

ClinVar aggregate classification (germline): Uncertain significance (1 of 4 stars; one submission).

Conditions:
Brugada syndrome. Also called: Sudden unexpected nocturnal death syndrome; Sudden unexplained nocturnal death syndrome; Sudden Unexplained Death Syndrome; Sudden Unexplained Nocturnal Death Syndrome (SUNDS). Identifiers: Orphanet 130, MedGen C1142166, MONDO:0015263.

Submission:

Labcorp Genetics (formerly Invitae), Labcorp
Classification: Uncertain significance for Brugada syndrome. Last evaluated: 2021-08-26. Review status: criteria provided, single submitter. Criteria: Invitae Variant Classification Sherloc (09022015). Collection method: clinical testing. Allele origin: germline.
Comment: This variant has not been reported in the literature in individuals affected with CACNA2D1-related conditions. In summary, the available evidence is currently insufficient to determine the role of this variant in disease. Therefore, it has been classified as a Variant of Uncertain Significance. Algorithms developed to predict the effect of sequence changes on RNA splicing suggest that this variant may create or strengthen a splice site. Algorithms developed to predict the effect of missense changes on protein structure and function are either unavailable or do not agree on the potential impact of this missense change (SIFT: "Tolerated"; PolyPhen-2: "Probably Damaging"; Align-GVGD: "Class C0"). This variant is not present in population databases (ExAC no frequency). This sequence change replaces threonine with serine at codon 764 of the CACNA2D1 protein (p.Thr764Ser). The threonine residue is highly conserved and there is a small physicochemical difference between threonine and serine.